The following is an entry in ClinVar:

ClinVar aggregate classification (germline): Uncertain significance. Review status: criteria provided, multiple submitters, no conflicts (2 of 4 stars). 6 submissions from 6 submitters: Uncertain significance (6). Last evaluated 2025-10-29.

Conditions:
Familial adenomatous polyposis 1 (FAP1). Also called: FAMILIAL ADENOMATOUS POLYPOSIS 1, ATTENUATED; POLYPOSIS, ADENOMATOUS INTESTINAL. Identifiers: MedGen C2713442, MONDO:0021056, OMIM 175100. Disease mechanism: loss of function.
Hereditary cancer-predisposing syndrome. Also called: Tumor predisposition; Hereditary Cancer Syndrome; Hereditary neoplastic syndrome; Neoplastic Syndromes, Hereditary. Identifiers: Orphanet 140162, MedGen C0027672, MeSH D009386, MONDO:0015356.
Classic or attenuated familial adenomatous polyposis. Identifiers: MedGen CN372698, MONDO:0021057.

Allele frequency attached by ClinVar (database versions not stated): TOPMed 0.00001.
gnomAD v4.1: 1 of 1,614,188 alleles (0.000062%); highest among the groups gnomAD compares: African/African-American, 0.0013%; no homozygotes.

Submissions (6):

Labcorp Genetics (formerly Invitae), Labcorp
Classification: Uncertain significance for Familial adenomatous polyposis 1. Last evaluated: 2025-10-29. Review status: criteria provided, single submitter. Criteria: Invitae Variant Classification Sherloc (09022015). Collection method: clinical testing. Allele origin: germline.
Comment: This sequence change replaces histidine, which is basic and polar, with arginine, which is basic and polar, at codon 1210 of the APC protein (p.His1210Arg). This variant is not present in population databases (gnomAD no frequency). This variant has not been reported in the literature in individuals affected with APC-related conditions. ClinVar contains an entry for this variant (Variation ID: 411495). Invitae Evidence Modeling of protein sequence and biophysical properties (such as structural, functional, and spatial information, amino acid conservation, physicochemical variation, residue mobility, and thermodynamic stability) indicates that this missense variant is not expected to disrupt APC protein function with a negative predictive value of 95%. In summary, the available evidence is currently insufficient to determine the role of this variant in disease. Therefore, it has been classified as a Variant of Uncertain Significance.

Quest Diagnostics Nichols Institute San Juan Capistrano
Classification: Uncertain significance. Last evaluated: 2024-07-17. Review status: criteria provided, single submitter. Criteria: Quest Diagnostics criteria. Collection method: clinical testing. Allele origin: unknown.
Comment: The APC c.3629A>G (p.His1210Arg) variant has not been reported in individuals with APC-related conditions in the published literature. It also has not been reported in large, multi-ethnic general populations (Genome Aggregation Database). Analysis of this variant using bioinformatics tools for the prediction of the effect of amino acid changes on protein structure and function yielded predictions that this variant is benign. Based on the available information, we are unable to determine the clinical significance of this variant.

Ambry Genetics
Classification: Uncertain significance for Hereditary cancer-predisposing syndrome. Last evaluated: 2024-05-17. Review status: criteria provided, single submitter. Criteria: Ambry Variant Classification Scheme 2023. Collection method: clinical testing. Allele origin: germline.
Comment: The p.H1210R variant (also known as c.3629A>G), located in coding exon 15 of the APC gene, results from an A to G substitution at nucleotide position 3629. The histidine at codon 1210 is replaced by arginine, an amino acid with highly similar properties. This amino acid position is highly conserved in available vertebrate species. In addition, in silico predictors for this gene do not accurately predict pathogenicity. Since supporting evidence is limited at this time, the clinical significance of this alteration remains unclear.

Color Diagnostics, LLC DBA Color Health
Classification: Uncertain significance for Hereditary cancer-predisposing syndrome. Last evaluated: 2024-03-06. Review status: criteria provided, single submitter. Criteria: ACMG Guidelines, 2015. Collection method: clinical testing. Allele origin: germline.
Comment: This missense variant replaces histidine with arginine at codon 1210 of the APC protein. Computational prediction suggests that this variant may not impact protein structure and function (internally defined REVEL score threshold <= 0.5, PMID: 27666373). To our knowledge, functional studies have not been reported for this variant. This variant has not been reported in individuals affected with APC-related disorders in the literature. This variant has not been identified in the general population by the Genome Aggregation Database (gnomAD). The available evidence is insufficient to determine the role of this variant in disease conclusively. Therefore, this variant is classified as a Variant of Uncertain Significance.

All of Us Research Program, National Institutes of Health
Classification: Uncertain significance for Classic or attenuated familial adenomatous polyposis. Last evaluated: 2023-11-20. Review status: criteria provided, single submitter. Criteria: ACMG Guidelines, 2015. Collection method: clinical testing. Allele origin: germline. Inheritance: Autosomal dominant inheritance. Observed: 1 variant allele, 1 heterozygote.
Comment: This missense variant replaces histidine with arginine at codon 1210 of the APC protein. Computational prediction suggests that this variant may not impact protein structure and function (internally defined REVEL score threshold <= 0.5, PMID: 27666373). To our knowledge, functional studies have not been reported for this variant. This variant has not been reported in individuals affected with APC-related disorders in the literature. This variant has not been identified in the general population by the Genome Aggregation Database (gnomAD). The available evidence is insufficient to determine the role of this variant in disease conclusively. Therefore, this variant is classified as a Variant of Uncertain Significance.

This study involves interpretation of variants in research participants for the purpose of population health screening. Participant phenotype was not available at the time of variant classification. Additional details can be found in publication PMID: 35346344, PMCID: PMC8962531

Baylor Genetics
Classification: Uncertain significance for Familial adenomatous polyposis 1. Last evaluated: 2023-10-05. Review status: criteria provided, single submitter. Criteria: ACMG Guidelines, 2015. Collection method: clinical testing. Allele origin: unknown.

NM_000038.6(APC):c.3629A>G (p.His1210Arg)

Gene: APC (APC regulator of Wnt signaling pathway; plus strand). Cytogenetic location: 5q22.2.
Variant type: single nucleotide variant.
Coding change: c.3629A>G on transcript NM_000038.6 (MANE Select); coding-DNA position 3629, A replaced by G.
Protein change: p.His1210Arg; replaces histidine 1210 with arginine.
Molecular consequence: missense variant.
Genome position (GRCh38, 1-based): chr5:112,839,223, A>G. VCF-style: chr5-112839223-A-G. GRCh37 (hg19) VCF-style: chr5-112174920-A-G.
Other names: c.3326A>G, p.His1109Arg (NM_001354903.2); c.3251A>G, p.His1084Arg (NM_001354904.2); c.3149A>G, p.His1050Arg (NM_001354905.2); c.2780A>G, p.His927Arg (NM_001354906.2); c.3629A>G, p.His1210Arg (NM_001127510.3, NM_001354895.2); c.3575A>G, p.His1192Arg (NM_001127511.3); c.3683A>G, p.His1228Arg (NM_001354896.2); c.3659A>G, p.His1220Arg (NM_001354897.2); and 5 more; short protein forms H1210R, H1192R, H1119R, H1151R, H1185R, H1084R, H1228R, H1182R.
Identifiers: ClinVar variation 411495 (VCV000411495.26), dbSNP rs756346998, ClinGen allele CA16029303.